The following is an entry in ClinVar:

ClinVar aggregate classification (germline): Uncertain significance (1 of 4 stars; one submission).

Conditions:
Glycogen storage disease type III (GSD3). Also called: Cori disease; FORBES DISEASE. Identifiers: Orphanet 366, MedGen C0017922, MONDO:0009291, OMIM 232400.

Submission:

Labcorp Genetics (formerly Invitae), Labcorp
Classification: Uncertain significance for Glycogen storage disease type III. Last evaluated: 2022-07-15. Review status: criteria provided, single submitter. Criteria: Invitae Variant Classification Sherloc (09022015). Collection method: clinical testing. Allele origin: germline.
Comment: This sequence change replaces isoleucine, which is neutral and non-polar, with methionine, which is neutral and non-polar, at codon 437 of the AGL protein (p.Ile437Met). This variant is not present in population databases (gnomAD no frequency). This variant has not been reported in the literature in individuals affected with AGL-related conditions. Algorithms developed to predict the effect of missense changes on protein structure and function output the following: SIFT: "Tolerated"; PolyPhen-2: "Benign"; Align-GVGD: "Class C0". The methionine amino acid residue is found in multiple mammalian species, which suggests that this missense change does not adversely affect protein function. In summary, the available evidence is currently insufficient to determine the role of this variant in disease. Therefore, it has been classified as a Variant of Uncertain Significance.

NM_000642.3(AGL):c.1311A>G (p.Ile437Met)

Gene: AGL (amylo-alpha-1,6-glucosidase and 4-alpha-glucanotransferase; plus strand). Cytogenetic location: 1p21.2.
Variant type: single nucleotide variant.
Coding change: c.1311A>G on transcript NM_000642.3 (MANE Select); coding-DNA position 1311, A replaced by G.
Protein change: p.Ile437Met; replaces isoleucine 437 with methionine.
Molecular consequence: missense variant.
Genome position (GRCh38, 1-based): chr1:99,876,485, A>G. VCF-style: chr1-99876485-A-G. GRCh37 (hg19) VCF-style: chr1-100342041-A-G.
Other names: c.1311A>G, p.Ile437Met (NM_000028.3, NM_000643.3, NM_000644.3 and 2 more transcripts); c.1263A>G, p.Ile421Met (NM_000646.3); c.1110A>G, p.Ile370Met (NM_001425327.1); c.1107A>G, p.Ile369Met (NM_001425328.1, NM_001425329.1); c.933A>G, p.Ile311Met (NM_001425332.1); short protein forms I437M, I421M, I311M, I369M, I370M.
Identifiers: ClinVar variation 1984057 (VCV001984057.1), dbSNP rs2524610264, ClinGen allele CA341345889.